The following is an entry in ClinVar:

NM_000245.4(MET):c.944A>G (p.Asn315Ser)

Gene: MET (MET proto-oncogene, receptor tyrosine kinase; plus strand). Cytogenetic location: 7q31.2.
Variant type: single nucleotide variant.
Coding change: c.944A>G on transcript NM_000245.4 (MANE Select); coding-DNA position 944, A replaced by G.
Protein change: p.Asn315Ser; replaces asparagine 315 with serine.
Molecular consequence: missense variant. On other transcripts: intron variant (1).
Genome position (GRCh38, 1-based): chr7:116,700,028, A>G. VCF-style: chr7-116700028-A-G. GRCh37 (hg19) VCF-style: chr7-116340082-A-G.
Other names: c.944A>G, p.Asn315Ser (NM_001127500.3, NM_001324401.3); c.-91+27451A>G (NM_001324402.2); short protein forms N315S.
Identifiers: ClinVar variation 5024408 (VCV005024408.1).

ClinVar aggregate classification (germline): Uncertain significance (1 of 4 stars; one submission).

Conditions:
Hereditary cancer-predisposing syndrome. Also called: Neoplastic Syndromes, Hereditary; Tumor predisposition; Hereditary neoplastic syndrome; Hereditary Cancer Syndrome. Identifiers: Orphanet 140162, MedGen C0027672, MeSH D009386, MONDO:0015356.

Submission:

Ambry Genetics
Classification: Uncertain significance for Hereditary cancer-predisposing syndrome. Last evaluated: 2026-07-19. Review status: criteria provided, single submitter. Criteria: Ambry Variant Classification Scheme 2023. Collection method: clinical testing. Allele origin: germline.
Comment: The p.N315S variant (also known as c.944A>G), located in coding exon 1 of the MET gene, results from an A to G substitution at nucleotide position 944. The asparagine at codon 315 is replaced by serine, an amino acid with highly similar properties. This amino acid position is conserved. In addition, this alteration is predicted to be tolerated by in silico analysis. Based on the available evidence, the clinical significance of this variant remains unclear.